The following is an entry in ClinVar:

ClinVar aggregate classification (germline): Pathogenic (1 of 4 stars; one submission).

Conditions:
Cornelia de Lange syndrome 1 (CDLS1). Also called: TYPUS DEGENERATIVUS AMSTELODAMENSIS; Brachmann de Lange syndrome; NIPBL-Related Cornelia de Lange Syndrome. Identifiers: Orphanet 199, MedGen C4551851, MONDO:0007387, OMIM 122470.

Submission:

Labcorp Genetics (formerly Invitae), Labcorp
Classification: Pathogenic for Cornelia de Lange syndrome 1. Last evaluated: 2025-10-14. Review status: criteria provided, single submitter. Criteria: Invitae Variant Classification Sherloc (09022015). Collection method: clinical testing. Allele origin: germline.
Comment: This sequence change creates a premature translational stop signal (p.Ala1114Glyfs*5) in the NIPBL gene. It is expected to result in an absent or disrupted protein product. Loss-of-function variants in NIPBL are known to be pathogenic (PMID: 15318302, 19763162, 23505322, 29995837). This variant is not present in population databases (gnomAD no frequency). This variant has not been reported in the literature in individuals affected with NIPBL-related conditions. For these reasons, this variant has been classified as Pathogenic.

Literature cited by the submitters: PubMed 15318302; PubMed 19763162; PubMed 23505322; PubMed 29995837.

NM_133433.4(NIPBL):c.3340dup (p.Ala1114fs)

Gene: NIPBL (NIPBL cohesin loading factor; plus strand). Cytogenetic location: 5p13.2.
Variant type: Duplication.
Coding change: c.3340dup on transcript NM_133433.4 (MANE Select); coding-DNA position 3340, one base duplicated (G; older notation c.3340dupG).
Protein change: p.Ala1114fs; shifts the reading frame from alanine 1114.
Molecular consequence: frameshift variant.
Genome position (GRCh38, 1-based): chr5:37,000,408, G duplicated. VCF-style (leftmost placement, unchanged base first): chr5-37000407-A-AG. GRCh37 (hg19) VCF-style: chr5-37000509-A-AG.
Other names: c.3340dup, p.Ala1114fs (NM_001438586.1, NM_015384.5); short protein forms A1114fs.
Identifiers: ClinVar variation 4729244 (VCV004729244.1).
Genomic context (GRCh38, chr5:37,000,407, plus strand): 5'-TATTTGTCATGGGGATTTGCTTCTAGCCTCTAGGAAACGACATAAAAAAGATGATGATAA[A>AG]GCTTGGGAATATGAAGAGCGTGACAGAAGAAGCTCTGGGGATCATAGGAGAAGTGGCCAC-3'